The following is an entry in ClinVar:

ClinVar aggregate classification (germline): Uncertain significance (1 of 4 stars; one submission).

gnomAD v4.1: 6 of 1,613,798 alleles (0.00037%); highest among the groups gnomAD compares: Admixed American, 0.005%; no homozygotes.

Submission:

Labcorp Genetics (formerly Invitae), Labcorp
Classification: Uncertain significance. Last evaluated: 2022-05-27. Review status: criteria provided, single submitter. Criteria: Invitae Variant Classification Sherloc (09022015). Collection method: clinical testing. Allele origin: germline.
Comment: In summary, the available evidence is currently insufficient to determine the role of this variant in disease. Therefore, it has been classified as a Variant of Uncertain Significance. Algorithms developed to predict the effect of missense changes on protein structure and function (SIFT, PolyPhen-2, Align-GVGD) all suggest that this variant is likely to be disruptive. This variant has not been reported in the literature in individuals affected with EIF2AK2-related conditions. This variant is not present in population databases (gnomAD no frequency). This sequence change replaces alanine, which is neutral and non-polar, with serine, which is neutral and polar, at codon 67 of the EIF2AK2 protein (p.Ala67Ser).

NM_001135651.3(EIF2AK2):c.199G>T (p.Ala67Ser)

Gene: EIF2AK2 (eukaryotic translation initiation factor 2 alpha kinase 2; minus strand). Cytogenetic location: 2p22.2.
Variant type: single nucleotide variant.
Coding change: c.199G>T on transcript NM_001135651.3 (MANE Select); coding-DNA position 199, G replaced by T.
Protein change: p.Ala67Ser; replaces alanine 67 with serine.
Molecular consequence: missense variant.
Genome position (GRCh38, 1-based): chr2:37,146,894, C>A on the plus strand (G>T on the coding strand, the complement: EIF2AK2 is on the minus strand). VCF-style: chr2-37146894-C-A. GRCh37 (hg19) VCF-style: chr2-37374037-C-A.
Other names: c.199G>T, p.Ala67Ser (NM_001135652.3, NM_002759.4); short protein forms A67S.
Identifiers: ClinVar variation 1974241 (VCV001974241.5), dbSNP rs367990775, ClinGen allele CA1615401.